The following is an entry in ClinVar:

NM_001371986.1(UNC80):c.5054T>C (p.Val1685Ala)

Genes: UNC80 (unc-80 homolog, NALCN channel complex subunit; plus strand), LOC126806490 (P300/CBP strongly-dependent group 1 enhancer GRCh37_chr2:210782411-210783610; plus strand). Cytogenetic location: 2q34.
Variant type: single nucleotide variant.
Coding change: c.5054T>C on transcript NM_001371986.1 (MANE Select); coding-DNA position 5054, T replaced by C.
Protein change: p.Val1685Ala; replaces valine 1685 with alanine.
Molecular consequence: missense variant.
Genome position (GRCh38, 1-based): chr2:209,917,801, T>C. VCF-style: chr2-209917801-T-C. GRCh37 (hg19) VCF-style: chr2-210782525-T-C.
Other names: c.4856T>C, p.Val1619Ala (NM_032504.2); c.4841T>C, p.Val1614Ala (NM_182587.4); c.4856T>C (NM_032504.1); short protein forms V1614A, V1619A, V1685A.
Identifiers: ClinVar variation 1411153 (VCV001411153.4), dbSNP rs2089679875, ClinGen allele CA350758509.
Genomic context (GRCh38, chr2:209,917,801, plus strand): 5'-TAAAAGCATAGCTGATGAATTGTTGACTGTCTCTAGCTGCCATGTTCCTGCTGTGTGCAG[T>C]GAAGGTGCCTGAGGCCGTGTCCGACATGCTGATGTCAGAGTTCCACCACCCGGAGACTGT-3'
Protein context (NP_001358915.1, residues 1675-1695): AAAAMFLLCA[Val1685Ala]KVPEAVSDML

ClinVar aggregate classification (germline): Uncertain significance. Review status: criteria provided, multiple submitters, no conflicts (2 of 4 stars). 2 submissions from 2 submitters: Uncertain significance (2). Last evaluated 2024-09-30.

Conditions:
Inborn genetic diseases. Identifiers: MedGen C0950123, MeSH D030342.

Allele frequency attached by ClinVar (database versions not stated): gnomAD exomes below 0.00001; gnomAD 0.00002; TOPMed 0.00005.
gnomAD v4.1: 8 of 1,551,972 alleles (0.00052%); highest among the groups gnomAD compares: Admixed American, 0.0098%; no homozygotes.

Submissions (2):

Ambry Genetics
Classification: Uncertain significance for Inborn genetic diseases. Last evaluated: 2024-09-30. Review status: criteria provided, single submitter. Criteria: Ambry Variant Classification Scheme 2023. Collection method: clinical testing. Allele origin: germline.

Labcorp Genetics (formerly Invitae), Labcorp
Classification: Uncertain significance. Last evaluated: 2022-06-13. Review status: criteria provided, single submitter. Criteria: Invitae Variant Classification Sherloc (09022015). Collection method: clinical testing. Allele origin: germline.
Comment: This sequence change replaces valine with alanine at codon 1619 of the UNC80 protein (p.Val1619Ala). The valine residue is moderately conserved and there is a small physicochemical difference between valine and alanine. This variant is not present in population databases (gnomAD no frequency). This variant has not been reported in the literature in individuals affected with UNC80-related conditions. Algorithms developed to predict the effect of missense changes on protein structure and function are either unavailable or do not agree on the potential impact of this missense change (SIFT: "Not Available"; PolyPhen-2: "Probably Damaging"; Align-GVGD: "Not Available"). In summary, the available evidence is currently insufficient to determine the role of this variant in disease. Therefore, it has been classified as a Variant of Uncertain Significance.